The following is an entry in ClinVar:

ClinVar aggregate classification (germline): Uncertain significance (1 of 4 stars; one submission).

Conditions:
Mosaic variegated aneuploidy syndrome 1 (MVA1). Also called: Warburton-Anyane-Yeboa syndrome. Identifiers: Orphanet 1052, MedGen C1850343, MONDO:0009759, OMIM 257300.

Submission:

Labcorp Genetics (formerly Invitae), Labcorp
Classification: Uncertain significance for Mosaic variegated aneuploidy syndrome 1. Last evaluated: 2024-02-23. Review status: criteria provided, single submitter. Criteria: Invitae Variant Classification Sherloc (09022015). Collection method: clinical testing. Allele origin: germline.
Comment: This sequence change replaces serine, which is neutral and polar, with cysteine, which is neutral and slightly polar, at codon 486 of the BUB1B protein (p.Ser486Cys). This variant is not present in population databases (gnomAD no frequency). This variant has not been reported in the literature in individuals affected with BUB1B-related conditions. An algorithm developed to predict the effect of missense changes on protein structure and function (PolyPhen-2) suggests that this variant is likely to be disruptive. In summary, the available evidence is currently insufficient to determine the role of this variant in disease. Therefore, it has been classified as a Variant of Uncertain Significance.

NM_001211.6(BUB1B):c.1457C>G (p.Ser486Cys)

Gene: BUB1B (BUB1 mitotic checkpoint serine/threonine kinase B; plus strand). Cytogenetic location: 15q15.1.
Variant type: single nucleotide variant.
Coding change: c.1457C>G on transcript NM_001211.6 (MANE Select); coding-DNA position 1457, C replaced by G.
Protein change: p.Ser486Cys; replaces serine 486 with cysteine.
Molecular consequence: missense variant.
Genome position (GRCh38, 1-based): chr15:40,200,299, C>G. VCF-style: chr15-40200299-C-G. GRCh37 (hg19) VCF-style: chr15-40492500-C-G.
Other names: short protein forms S486C.
Identifiers: ClinVar variation 3626939 (VCV003626939.2).
Genomic context (GRCh38, chr15:40,200,299, plus strand): 5'-AACAGCAAGAAGAGACGATGCCTACAAAGGAGACAACTAAACTGCAAATTGCTTCCGAGT[C>G]TCAGAAAATACCAGGAATGACTCTATCCAGTTCTGTTTGTCAAGTAAACTGTTGTGCCAG-3'
Protein context (NP_001202.5, residues 476-496): ETTKLQIASE[Ser486Cys]QKIPGMTLSS